The following is an entry in ClinVar:

NM_032043.3(BRIP1):c.1754C>A (p.Ala585Glu)

Gene: BRIP1 (BRCA1 interacting DNA helicase 1; minus strand). Cytogenetic location: 17q23.2.
Variant type: single nucleotide variant.
Coding change: c.1754C>A on transcript NM_032043.3 (MANE Select); coding-DNA position 1754, C replaced by A.
Protein change: p.Ala585Glu; replaces alanine 585 with glutamic acid.
Molecular consequence: missense variant.
Genome position (GRCh38, 1-based): chr17:61,780,880, G>T on the plus strand (C>A on the coding strand, the complement: BRIP1 is on the minus strand). VCF-style: chr17-61780880-G-T. GRCh37 (hg19) VCF-style: chr17-59858241-G-T.
Other names: short protein forms A585E.
Identifiers: ClinVar variation 232300 (VCV000232300.31), dbSNP rs756946068, ClinGen allele CA8690675.

ClinVar aggregate classification (germline): Uncertain significance. Review status: criteria provided, multiple submitters, no conflicts (2 of 4 stars). 7 submissions from 7 submitters: Uncertain significance (7). Last evaluated 2025-10-01.

Conditions:
Hereditary cancer-predisposing syndrome. Also called: Hereditary Cancer Syndrome; Neoplastic Syndromes, Hereditary; Tumor predisposition; Hereditary neoplastic syndrome. Identifiers: Orphanet 140162, MedGen C0027672, MeSH D009386, MONDO:0015356.
Fanconi anemia complementation group J. Also called: BRIP1-Related Fanconi Anemia. Identifiers: Orphanet 84, MedGen C1836860, MONDO:0012187, OMIM 609054.
Familial cancer of breast. Also called: Hereditary breast cancer; hereditary breast carcinoma; BREAST CANCER, FAMILIAL. Identifiers: Orphanet 227535, MedGen C0346153, MONDO:0016419, OMIM 114480. Disease mechanism: loss of function.

Allele frequency attached by ClinVar (database versions not stated): TOPMed below 0.00001; gnomAD 0.00001; gnomAD exomes 0.00001 and 0.00003; ExAC 0.00002.
gnomAD v4.1: 10 of 1,614,020 alleles (0.00062%); highest among the groups gnomAD compares: Admixed American, 0.015%; no homozygotes.

Submissions (7):

Ambry Genetics
Classification: Uncertain significance for Hereditary cancer-predisposing syndrome. Last evaluated: 2025-10-01. Review status: criteria provided, single submitter. Criteria: Ambry Variant Classification Scheme 2023. Collection method: clinical testing. Allele origin: germline.

Labcorp Genetics (formerly Invitae), Labcorp
Classification: Uncertain significance for Familial cancer of breast; Fanconi anemia complementation group J. Last evaluated: 2024-12-24. Review status: criteria provided, single submitter. Criteria: Invitae Variant Classification Sherloc (09022015). Collection method: clinical testing. Allele origin: germline.
Comment: This sequence change replaces alanine, which is neutral and non-polar, with glutamic acid, which is acidic and polar, at codon 585 of the BRIP1 protein (p.Ala585Glu). This variant is present in population databases (rs756946068, gnomAD 0.02%). This variant has not been reported in the literature in individuals affected with BRIP1-related conditions. ClinVar contains an entry for this variant (Variation ID: 232300). Invitae Evidence Modeling of protein sequence and biophysical properties (such as structural, functional, and spatial information, amino acid conservation, physicochemical variation, residue mobility, and thermodynamic stability) indicates that this missense variant is not expected to disrupt BRIP1 protein function with a negative predictive value of 95%. In summary, the available evidence is currently insufficient to determine the role of this variant in disease. Therefore, it has been classified as a Variant of Uncertain Significance.

GeneDx
Classification: Uncertain significance. Last evaluated: 2024-10-22. Review status: criteria provided, single submitter. Criteria: GeneDx Variant Classification Process June 2021. Collection method: clinical testing. Allele origin: germline. Affected: yes.
Comment: In silico analysis indicates that this missense variant does not alter protein structure/function; Has not been previously published as pathogenic or benign to our knowledge

Baylor Genetics
Classification: Uncertain significance for Familial cancer of breast. Last evaluated: 2023-09-21. Review status: criteria provided, single submitter. Criteria: ACMG Guidelines, 2015. Collection method: clinical testing. Allele origin: unknown.

Color Diagnostics, LLC DBA Color Health
Classification: Uncertain significance for Hereditary cancer-predisposing syndrome. Last evaluated: 2023-05-11. Review status: criteria provided, single submitter. Criteria: ACMG Guidelines, 2015. Collection method: clinical testing. Allele origin: germline.
Comment: This missense variant replaces alanine with glutamic acid at codon 585 of the BRIP1 protein. Computational prediction suggests that this variant may not impact protein structure and function (internally defined REVEL score threshold <= 0.5, PMID: 27666373). To our knowledge, functional studies have not been reported for this variant. This variant has not been reported in individuals affected with BRIP1-related disorders in the literature. This variant has been identified in 8/251424 chromosomes in the general population by the Genome Aggregation Database (gnomAD). The available evidence is insufficient to determine the role of this variant in disease conclusively. Therefore, this variant is classified as a Variant of Uncertain Significance.

ARUP Laboratories, Molecular Genetics and Genomics, ARUP Laboratories
Classification: Uncertain significance for Fanconi anemia complementation group J. Last evaluated: 2018-12-19. Review status: criteria provided, single submitter. Criteria: ARUP Molecular Germline Variant Investigation Process. Collection method: clinical testing. Allele origin: germline.
Comment: The BRIP1 c.1754C>A; p.Ala585Glu variant (rs756946068), to our knowledge, is not reported in the medical literature but is reported in ClinVar (Variation ID: 232300). This variant is found on eight chromosomes in the Latino population in the Genome Aggregation Database. The alanine at codon 585 is weakly conserved, and computational analyses (SIFT, PolyPhen-2) predict that this variant is tolerated. However, due to limited information, the clinical significance of the p.Ala585Glu variant is uncertain at this time.

Women's Health and Genetics/Laboratory Corporation of America, LabCorp
Classification: Uncertain significance. Last evaluated: 2017-01-10. Review status: criteria provided, single submitter. Criteria: LabCorp Variant Classification Summary - May 2015. Collection method: clinical testing. Allele origin: germline.
Comment: Variant summary: The BRIP1 c.1754C>A (p.Ala585Glu) variant causes a missense change involving a non-conserved nucleotide, which 3/4 in silico tools (SNPs&GO not captured due to low reliability index) predict a benign outcome, although these predictions have yet to be functionally assessed. The variant of interest was observed in the large, broad control population, ExAC, with an allele frequency of 3/121384 (1/40469), predominantly in the Latino cohort, 3/11576 (1/3858), which does exceed the estimated maximal expected allele frequency for a pathogenic BRIP1 variant of 1/16000. Therefore, suggesting this is likely a benign polymorphism found in population(s) of Latino origin. However, this observation does need to be cautiously considered due to the ExAC cohort harboring individuals that could have a BRIP1 phenotype. The variant of interest has not been, to our knowledge, reported in affected individuals via publications, although a clinical diagnostic laboratory classifies the variant as "uncertain significance." Therefore, until additional information becomes available, the variant of interest has been classified as a "Variant of Uncertain Significance (VUS)."